The following is an entry in ClinVar:

ClinVar aggregate classification (germline): Uncertain significance. Review status: criteria provided, multiple submitters, no conflicts (2 of 4 stars). 2 submissions from 2 submitters: Uncertain significance (2). Last evaluated 2024-01-23.

Conditions:
Renal cell carcinoma. Identifiers: Orphanet 217071, MedGen C0007134, MeSH D002292, MONDO:0005086, HP:0005584.
Hereditary cancer-predisposing syndrome. Also called: Neoplastic Syndromes, Hereditary; Tumor predisposition; Hereditary Cancer Syndrome; Hereditary neoplastic syndrome. Identifiers: Orphanet 140162, MedGen C0027672, MeSH D009386, MONDO:0015356.

Allele frequency attached by ClinVar (database versions not stated): gnomAD exomes below 0.00001.
gnomAD v4.1: 1 of 1,614,070 alleles (0.000062%); highest among the groups gnomAD compares: Non-Finnish European, 0.000085%; no homozygotes.

Submissions (2):

Ambry Genetics
Classification: Uncertain significance for Hereditary cancer-predisposing syndrome. Last evaluated: 2024-01-23. Review status: criteria provided, single submitter. Criteria: Ambry Variant Classification Scheme 2023. Collection method: clinical testing. Allele origin: germline.
Comment: The p.L90P variant (also known as c.269T>C), located in coding exon 1 of the MET gene, results from a T to C substitution at nucleotide position 269. The leucine at codon 90 is replaced by proline, an amino acid with similar properties. This amino acid position is well conserved in available vertebrate species. In addition, this alteration is predicted to be tolerated by in silico analysis. Based on the available evidence, the clinical significance of this alteration remains unclear.

Labcorp Genetics (formerly Invitae), Labcorp
Classification: Uncertain significance for Renal cell carcinoma. Last evaluated: 2023-10-04. Review status: criteria provided, single submitter. Criteria: Invitae Variant Classification Sherloc (09022015). Collection method: clinical testing. Allele origin: germline.
Comment: This sequence change replaces leucine, which is neutral and non-polar, with proline, which is neutral and non-polar, at codon 90 of the MET protein (p.Leu90Pro). This variant is present in population databases (no rsID available, gnomAD 0.0009%). This variant has not been reported in the literature in individuals affected with MET-related conditions. ClinVar contains an entry for this variant (Variation ID: 640732). An algorithm developed to predict the effect of missense changes on protein structure and function (PolyPhen-2) suggests that this variant is likely to be disruptive. In summary, the available evidence is currently insufficient to determine the role of this variant in disease. Therefore, it has been classified as a Variant of Uncertain Significance.

NM_000245.4(MET):c.269T>C (p.Leu90Pro)

Gene: MET (MET proto-oncogene, receptor tyrosine kinase; plus strand). Cytogenetic location: 7q31.2.
Variant type: single nucleotide variant.
Coding change: c.269T>C on transcript NM_000245.4 (MANE Select); coding-DNA position 269, T replaced by C.
Protein change: p.Leu90Pro; replaces leucine 90 with proline.
Molecular consequence: missense variant. On other transcripts: intron variant (1).
Genome position (GRCh38, 1-based): chr7:116,699,353, T>C. VCF-style: chr7-116699353-T-C. GRCh37 (hg19) VCF-style: chr7-116339407-T-C.
Other names: c.269T>C, p.Leu90Pro (NM_001127500.3, NM_001324401.3); c.-91+26776T>C (NM_001324402.2); short protein forms L90P.
Identifiers: ClinVar variation 640732 (VCV000640732.11), dbSNP rs1291977283, ClinGen allele CA368968701.
Genomic context (GRCh38, chr7:116,699,353, plus strand): 5'-TTTATGTTTTAAATGAGGAAGACCTTCAGAAGGTTGCTGAGTACAAGACTGGGCCTGTGC[T>C]GGAACACCCAGATTGTTTCCCATGTCAGGACTGCAGCAGCAAAGCCAATTTATCAGGAGG-3'
Protein context (NP_000236.2, residues 80-100): KVAEYKTGPV[Leu90Pro]EHPDCFPCQD